The following is an entry in ClinVar:

ClinVar aggregate classification (germline): Likely pathogenic (1 of 4 stars; one submission).

Submission:

Dasa
Classification: Likely pathogenic. Last evaluated: 2025-07-26. Review status: criteria provided, single submitter. Criteria: DASA Assertion Criteria. Collection method: clinical testing. Allele origin: germline.
Comment: NM_004187.5(KDM5C):c.2062-1G>C affects a canonical splice site and is predicted to disrupt normal RNA splicing. Loss of function is an established disease mechanism for KDM5C (PMID: 15586325; PMID: 18697827; PMID: 19826449). Also, this variant is absent from population databases. Based on the currently available evidence, this variant is classified as likely pathogenic.

Literature cited by the submitters: PubMed 15586325; PubMed 18697827; PubMed 19826449.

NM_004187.5(KDM5C):c.2062-1G>C

Gene: KDM5C (lysine demethylase 5C; minus strand). Cytogenetic location: Xp11.22.
Variant type: single nucleotide variant.
Coding change: c.2062-1G>C on transcript NM_004187.5 (MANE Select); the canonical splice acceptor site of the intron before coding-DNA position 2062, G replaced by C.
Molecular consequence: splice acceptor variant.
Genome position (GRCh38, 1-based): chrX:53,199,159, C>G on the plus strand (G>C on the coding strand, the complement: KDM5C is on the minus strand). VCF-style: chrX-53199159-C-G. GRCh37 (hg19) VCF-style: chrX-53228341-C-G.
Other names: c.2059-1G>C (NM_001353982.2, NM_001353979.2, NM_001282622.3); c.2062-1G>C (NM_001353981.2, NM_001353984.2, NM_001353978.3); c.1861-1G>C (NM_001146702.2).
Identifiers: ClinVar variation 4885732 (VCV004885732.2).